The following is an entry in ClinVar:

ClinVar aggregate classification (germline): Uncertain significance (1 of 4 stars; one submission).

Conditions:
Hereditary cancer-predisposing syndrome. Also called: Neoplastic Syndromes, Hereditary; Tumor predisposition; Hereditary Cancer Syndrome; Hereditary neoplastic syndrome. Identifiers: Orphanet 140162, MedGen C0027672, MeSH D009386, MONDO:0015356.

Submission:

Ambry Genetics
Classification: Uncertain significance for Hereditary cancer-predisposing syndrome. Last evaluated: 2026-04-22. Review status: criteria provided, single submitter. Criteria: Ambry Variant Classification Scheme 2023. Collection method: clinical testing. Allele origin: germline.
Comment: The p.F142L variant (also known as c.426T>A), located in coding exon 4 of the CDH1 gene, results from a T to A substitution at nucleotide position 426. The phenylalanine at codon 142 is replaced by leucine, an amino acid with highly similar properties. This amino acid position is conserved. In addition, this alteration is predicted to be tolerated by in silico analysis. Based on the available evidence, the clinical significance of this variant remains unclear.

NM_004360.5(CDH1):c.426T>A (p.Phe142Leu)

Gene: CDH1 (cadherin 1; plus strand). Cytogenetic location: 16q22.1.
Variant type: single nucleotide variant.
Coding change: c.426T>A on transcript NM_004360.5 (MANE Select); coding-DNA position 426, T replaced by A.
Protein change: p.Phe142Leu; replaces phenylalanine 142 with leucine.
Molecular consequence: missense variant. On other transcripts: 5 prime UTR variant (2).
Genome position (GRCh38, 1-based): chr16:68,808,462, T>A. VCF-style: chr16-68808462-T-A. GRCh37 (hg19) VCF-style: chr16-68842365-T-A.
Other names: c.426T>A, p.Phe142Leu (NM_001317184.2); c.-1190T>A (NM_001317185.2); c.-1394T>A (NM_001317186.2); short protein forms F142L.
Identifiers: ClinVar variation 4868400 (VCV004868400.1).
Genomic context (GRCh38, chr16:68,808,462, plus strand): 5'-TCCTCATCTTCTTTCCTTTTAGGCCTCCGTTTCTGGAATCCAAGCAGAATTGCTCACATT[T>A]CCCAACTCCTCTCCTGGCCTCAGAAGACAGAAGAGAGACTGGGTTATTCCTCCCATCAGC-3'
Protein context (NP_004351.1, residues 132-152): VSGIQAELLT[Phe142Leu]PNSSPGLRRQ